The following is an entry in ClinVar:

NM_018121.4(SLF2):c.1898A>G (p.Asn633Ser)

Gene: SLF2 (SMC5/6 complex localization factor 2; plus strand). Cytogenetic location: 10q24.31.
Variant type: single nucleotide variant.
Coding change: c.1898A>G on transcript NM_018121.4 (MANE Select); coding-DNA position 1898, A replaced by G.
Protein change: p.Asn633Ser; replaces asparagine 633 with serine.
Molecular consequence: missense variant.
Genome position (GRCh38, 1-based): chr10:100,924,899, A>G. VCF-style: chr10-100924899-A-G. GRCh37 (hg19) VCF-style: chr10-102684656-A-G.
Other names: c.1898A>G, p.Asn633Ser (NM_001136123.2); short protein forms N633S.
Identifiers: ClinVar variation 2640759 (VCV002640759.24), dbSNP rs35532139, ClinGen allele CA5651452.

ClinVar aggregate classification (germline): Likely benign (1 of 4 stars; one submission).

Allele frequency attached by ClinVar (database versions not stated): 1000 Genomes Project 30x 0.00141; ESP Exome Variant Server 0.00177; 1000 Genomes Project 0.00180; TOPMed 0.00200; gnomAD exomes 0.00367; ExAC 0.00384; gnomAD 0.00386.
gnomAD v4.1: 5,892 of 1,614,190 alleles (0.37%); highest among the groups gnomAD compares: Middle Eastern, 0.41%; 46 homozygotes.

Submission:

CeGaT Center for Human Genetics Tuebingen
Classification: Likely benign. Last evaluated: 2026-05-01. Review status: criteria provided, single submitter. Criteria: CeGaT Center For Human Genetics Tuebingen Variant Classification Criteria Version 2. Collection method: clinical testing. Allele origin: germline. Affected: yes. Observed: 3 variant alleles.
Comment: SLF2: BP4, BS2